The following is an entry in ClinVar:

ClinVar aggregate classification (germline): Pathogenic. Review status: criteria provided, multiple submitters, no conflicts (2 of 4 stars). 11 submissions from 11 submitters: Pathogenic (9). 2 of the submissions do not count toward it. Last evaluated 2025-10-20.

Conditions:
Mitochondrial DNA depletion syndrome, hepatocerebral form. Identifiers: Orphanet 254871, MedGen C3711385, MONDO:0100512.
Charcot-Marie-Tooth disease, axonal, type 2EE. Also called: CHARCOT-MARIE-TOOTH NEUROPATHY, TYPE 2EE. Identifiers: MedGen C5193076, MONDO:0032728, OMIM 618400.
Mitochondrial DNA depletion syndrome 6 (hepatocerebral type). Also called: Mitochondrial DNA depletion syndrome type 6; NAVAJO NEUROPATHY; Navajo neurohepatopathy. Identifiers: Orphanet 255229, MedGen C1850406, MONDO:0009747, OMIM 256810.
Mitochondrial DNA depletion syndrome. Also called: mitochondrial DNA depletion. Identifiers: Orphanet 35698, MedGen C0342782, MONDO:0018158.

Allele frequency attached by ClinVar (database versions not stated): gnomAD 0.00001; gnomAD exomes 0.00002 and 0.00001; TOPMed 0.00002; ExAC 0.00002.
gnomAD v4.1: 28 of 1,614,068 alleles (0.0017%); highest among the groups gnomAD compares: East Asian, 0.0067%; no homozygotes.

Submissions (11):

Women's Health and Genetics/Laboratory Corporation of America, LabCorp
Classification: Pathogenic for Mitochondrial DNA depletion syndrome. Last evaluated: 2025-10-20. Review status: criteria provided, single submitter. Criteria: LabCorp Variant Classification Summary - May 2015. Collection method: clinical testing. Allele origin: germline.
Comment: Variant summary: MPV17 c.148C>T (p.Arg50Trp) results in a non-conservative amino acid change in the encoded protein sequence. Algorithms developed to predict the effect of missense changes on protein structure and function all suggest that this variant is likely to be disruptive. The variant allele was found at a frequency of 1.2e-05 in 251474 control chromosomes (gnomAD). c.148C>T has been observed in individuals affected with Mitochondrial DNA Depletion Syndrome - MPV17 Related (Spinazzola_2006, Vilarinho_2014, Parayil Sankaran_2020). These data indicate that the variant is likely to be associated with disease. A different variant affecting the same codon has been classified as pathogenic by our lab (c.149G>A, p.Arg50Gln), supporting the critical relevance of codon 50 to MPV17 protein function. At least one publication reports experimental evidence evaluating an impact on protein function and this variant affected the MPV17 protein function (Spinazzola_2006). The following publications have been ascertained in the context of this evaluation (PMID: 32180488, 16582910, 25016221). ClinVar contains an entry for this variant (Variation ID: 16162). Based on the evidence outlined above, the variant was classified as pathogenic.

Labcorp Genetics (formerly Invitae), Labcorp
Classification: Pathogenic. Last evaluated: 2025-06-27. Review status: criteria provided, single submitter. Criteria: Invitae Variant Classification Sherloc (09022015). Collection method: clinical testing. Allele origin: germline.
Comment: This sequence change replaces arginine, which is basic and polar, with tryptophan, which is neutral and slightly polar, at codon 50 of the MPV17 protein (p.Arg50Trp). This variant is present in population databases (rs121909723, gnomAD 0.003%). This missense change has been observed in individual(s) with clinical features of MPV17-related conditions (PMID: 16582910, 17694548, 25016221). In at least one individual the data is consistent with being in trans (on the opposite chromosome) from a pathogenic variant. ClinVar contains an entry for this variant (Variation ID: 16162). Invitae Evidence Modeling of protein sequence and biophysical properties (such as structural, functional, and spatial information, amino acid conservation, physicochemical variation, residue mobility, and thermodynamic stability) indicates that this missense variant is expected to disrupt MPV17 protein function with a positive predictive value of 95%. Experimental studies have shown that this missense change affects MPV17 function (PMID: 16582910). This variant disrupts the p.Arg50 amino acid residue in MPV17. Other variant(s) that disrupt this residue have been determined to be pathogenic (PMID: 16582910, 16909392). This suggests that this residue is clinically significant, and that variants that disrupt this residue are likely to be disease-causing. For these reasons, this variant has been classified as Pathogenic.

Natera, Inc.
Classification: Pathogenic for Mitochondrial DNA depletion syndrome, hepatocerebral form. Last evaluated: 2025-02-24. Review status: criteria provided, single submitter. Criteria: Natera Variant Classification Schema (03/2026). Collection method: clinical testing. Allele origin: germline.
Comment: The c.148C>T variant in MPV17 is a missense variant predicted to cause substitution of arginine to tryptophan at amino acid 50. This variant is rare in the general population with a frequency below the threshold expected for the associated phenotype(s). This variant has been observed in one or more individuals affected with the associated recessive disease, as either homozygous or compound heterozygous with a second variant (PMID: 32703289). Given the available evidence, this variant is classified as Pathogenic.

Fulgent Genetics
Classification: Pathogenic for Mitochondrial DNA depletion syndrome 6 (hepatocerebral type); Charcot-Marie-Tooth disease, axonal, type 2EE. Last evaluated: 2024-06-21. Review status: criteria provided, single submitter. Criteria: ACMG Guidelines, 2015. Collection method: clinical testing. Allele origin: germline.

Baylor Genetics
Classification: Pathogenic for Charcot-Marie-Tooth disease, axonal, type 2EE. Last evaluated: 2024-03-12. Review status: criteria provided, single submitter. Criteria: ACMG Guidelines, 2015. Collection method: clinical testing. Allele origin: unknown.

Revvity Omics, Revvity
Classification: Pathogenic. Last evaluated: 2019-05-27. Review status: criteria provided, single submitter. Criteria: ACMG Guidelines, 2015. Collection method: clinical testing. Allele origin: germline.

Eurofins Ntd Llc (ga)
Classification: Pathogenic. Last evaluated: 2016-10-04. Review status: criteria provided, single submitter. Criteria: EGL Classification Definitions 2015. Collection method: clinical testing. Allele origin: germline. Observed: 1 variant allele, 1 homozygote.

GeneDx
Classification: Pathogenic. Last evaluated: 2016-08-28. Review status: criteria provided, single submitter. Criteria: GeneDx Variant Classification (06012015). Collection method: clinical testing. Allele origin: germline. Affected: yes.
Comment: The R50W pathogenic variant in the MPV17 gene has been reported previously in multiple individuals with clinical features consistent with hepatocerebral mitochondrial DNA depletion syndrome in the homozygous state, as well as in the heterozygous state in the presence of a second MPV17 variant (Spinazzola et al., 2006; Wong et al., 2007; Vilarinho et al., 2014). Additionally, functional studies in yeast with the R50W variant show that this variant impacts the function of the protein (Spinazzola et al., 2006). The R50W variant was not observed in approximately 6500 individuals of European and African American ancestry in the NHLBI Exome Sequencing Project, indicating it is not a common benign variant in these populations. The R50W variant is a non-conservative amino acid substitution, which is likely to impact secondary protein structure as these residues differ in polarity, charge, size and/or other properties. This substitution occurs at a position that is conserved across species and in silico analysis predicts this variant is probably damaging to the protein structure/function. We interpret R50W as a pathogenic variant.

Juno Genomics, Hangzhou Juno Genomics, Inc
Classification: Pathogenic for Charcot-Marie-Tooth disease, axonal, type 2EE; Mitochondrial DNA depletion syndrome 6 (hepatocerebral type). Review status: criteria provided, single submitter. Criteria: ACMG Guidelines, 2015. Collection method: clinical testing. Allele origin: germline.
Comment: Absent from controls (or at extremely low frequency if recessive) in Genome Aggregation Database.;For recessive disorders, detected in trans with a pathogenic variant.;Patient's phenotype or family history is highly specific for a disease with a single genetic etiology.

Yale Center for Mendelian Genomics, Yale University
Classification: Pathogenic for Mitochondrial DNA depletion syndrome 6 (hepatocerebral type). Last evaluated: 2014-07-10. Review status: no assertion criteria provided. Collection method: literature only. Allele origin: germline. Affected: yes. Observed: 1 homozygote. Not counted in ClinVar's aggregate classification.

OMIM
Classification: Pathogenic for MITOCHONDRIAL DNA DEPLETION SYNDROME 6 (HEPATOCEREBRAL TYPE). Last evaluated: 2006-05-01. Review status: no assertion criteria provided. Collection method: literature only. Allele origin: germline. Not counted in ClinVar's aggregate classification.

Literature cited by the submitters: PubMed 25016221 (cited by 3 submitters); PubMed 32180488 (cited by Women's Health and Genetics/Laboratory Corporation of America, LabCorp); PubMed 16582910 (cited by 3 submitters); PubMed 17694548 (cited by Labcorp Genetics (formerly Invitae), Labcorp); PubMed 16909392 (cited by Labcorp Genetics (formerly Invitae), Labcorp); PubMed 32703289 (cited by Natera, Inc.).

NM_002437.5(MPV17):c.148C>T (p.Arg50Trp)

Gene: MPV17 (mitochondrial inner membrane protein MPV17; minus strand). Cytogenetic location: 2p23.3.
Variant type: single nucleotide variant.
Coding change: c.148C>T on transcript NM_002437.5 (MANE Select); coding-DNA position 148, C replaced by T.
Protein change: p.Arg50Trp; replaces arginine 50 with tryptophan.
Molecular consequence: missense variant.
Genome position (GRCh38, 1-based): chr2:27,313,032, G>A on the plus strand (C>T on the coding strand, the complement: MPV17 is on the minus strand). VCF-style: chr2-27313032-G-A. GRCh37 (hg19) VCF-style: chr2-27535899-G-A.
Other names: short protein forms R50W.
Identifiers: ClinVar variation 16162 (VCV000016162.29), dbSNP rs121909723, ClinGen allele CA341382.